The following is an entry in ClinVar:

NM_000030.3(AGXT):c.245_249delinsAGA (p.Gly82fs)

Gene: AGXT (alanine--glyoxylate aminotransferase; plus strand). Cytogenetic location: 2q37.3.
Variant type: Indel.
Coding change: c.245_249delinsAGA on transcript NM_000030.3 (MANE Select); coding-DNA positions 245 to 249, GACAC replaced by AGA.
Protein change: p.Gly82fs; shifts the reading frame from glycine 82.
Molecular consequence: frameshift variant.
Genome position (GRCh38, 1-based): chr2:240,869,249-240,869,253, GACAC replaced by AGA. VCF-style: chr2-240869249-GACAC-AGA. GRCh37 (hg19) VCF-style: chr2-241808666-GACAC-AGA.
Other names: short protein forms G82fs.
Identifiers: ClinVar variation 2681158 (VCV002681158.1), dbSNP rs2528740117, ClinGen allele CA2586971631.

ClinVar aggregate classification (germline): Pathogenic (1 of 4 stars; one submission).

Conditions:
Primary hyperoxaluria, type I (HP1). Also called: OXALOSIS I; Primary hyperoxaluria type 1; GLYCOLIC ACIDURIA; HEPATIC AGT DEFICIENCY. Identifiers: Orphanet 416, Orphanet 93598, MedGen C0268164, MONDO:0009823, OMIM 259900. Disease mechanism: loss of function.

Submission:

Clinical Biochemistry Laboratory, Health Services Laboratory
Classification: Pathogenic for Primary hyperoxaluria, type I. Last evaluated: 2023-10-27. Review status: criteria provided, single submitter. Criteria: ACMG Guidelines, 2015. Collection method: curation. Allele origin: germline. Affected: yes.
Comment: ACMG:PVS1 PM3 PP4

Literature cited by the submitters: PubMed 36194362.